The following is an entry in ClinVar:

NM_002772.3(TMPRSS15):c.1421A>C (p.Lys474Thr)

Gene: TMPRSS15 (transmembrane serine protease 15; minus strand). Cytogenetic location: 21q21.1.
Variant type: single nucleotide variant.
Coding change: c.1421A>C on transcript NM_002772.3 (MANE Select); coding-DNA position 1421, A replaced by C.
Protein change: p.Lys474Thr; replaces lysine 474 with threonine.
Molecular consequence: missense variant.
Genome position (GRCh38, 1-based): chr21:18,343,513, T>G on the plus strand (A>C on the coding strand, the complement: TMPRSS15 is on the minus strand). VCF-style: chr21-18343513-T-G. GRCh37 (hg19) VCF-style: chr21-19715830-T-G.
Other names: short protein forms K474T.
Identifiers: ClinVar variation 2240588 (VCV002240588.4), dbSNP rs201966028, ClinGen allele CA9984443.

ClinVar aggregate classification (germline): Uncertain significance. Review status: criteria provided, multiple submitters, no conflicts (2 of 4 stars). 2 submissions from 2 submitters: Uncertain significance (2). Last evaluated 2025-11-24.

Allele frequency attached by ClinVar (database versions not stated): gnomAD 0.00005; ExAC 0.00006; gnomAD exomes 0.00010; TOPMed 0.00005.
gnomAD v4.1: 161 of 1,609,830 alleles (0.01%); highest among the groups gnomAD compares: Non-Finnish European, 0.013%; no homozygotes.

Submissions (2):

Labcorp Genetics (formerly Invitae), Labcorp
Classification: Uncertain significance. Last evaluated: 2025-11-24. Review status: criteria provided, single submitter. Criteria: Invitae Variant Classification Sherloc (09022015). Collection method: clinical testing. Allele origin: germline.
Comment: This sequence change replaces lysine, which is basic and polar, with threonine, which is neutral and polar, at codon 474 of the TMPRSS15 protein (p.Lys474Thr). This variant is present in population databases (rs201966028, gnomAD 0.009%). This variant has not been reported in the literature in individuals affected with TMPRSS15-related conditions. ClinVar contains an entry for this variant (Variation ID: 2240588). An algorithm developed to predict the effect of missense changes on protein structure and function (PolyPhen-2) suggests that this variant is likely to be tolerated. In summary, the available evidence is currently insufficient to determine the role of this variant in disease. Therefore, it has been classified as a Variant of Uncertain Significance.

Ambry Genetics
Classification: Uncertain significance. Last evaluated: 2021-08-13. Review status: criteria provided, single submitter. Criteria: Ambry Variant Classification Scheme 2023. Collection method: clinical testing. Allele origin: germline.